The following is an entry in ClinVar:

ClinVar aggregate classification (germline): Uncertain significance (1 of 4 stars; one submission).

Conditions:
Kleefstra syndrome 1 (KLEFS1). Identifiers: Orphanet 261494, MedGen C0795833, MONDO:0027407, OMIM 610253.

gnomAD v4.1: 3 of 1,606,216 alleles (0.00019%); highest among the groups gnomAD compares: Non-Finnish European, 0.00025%; no homozygotes.

Submission:

Labcorp Genetics (formerly Invitae), Labcorp
Classification: Uncertain significance for Kleefstra syndrome 1. Last evaluated: 2022-12-09. Review status: criteria provided, single submitter. Criteria: Invitae Variant Classification Sherloc (09022015). Collection method: clinical testing. Allele origin: germline.
Comment: In summary, the available evidence is currently insufficient to determine the role of this variant in disease. Therefore, it has been classified as a Variant of Uncertain Significance. Advanced modeling of protein sequence and biophysical properties (such as structural, functional, and spatial information, amino acid conservation, physicochemical variation, residue mobility, and thermodynamic stability) performed at Invitae indicates that this missense variant is not expected to disrupt EHMT1 protein function. This variant has not been reported in the literature in individuals affected with EHMT1-related conditions. This variant is present in population databases (no rsID available, gnomAD 0.007%). This sequence change replaces leucine, which is neutral and non-polar, with valine, which is neutral and non-polar, at codon 943 of the EHMT1 protein (p.Leu943Val).

NM_024757.5(EHMT1):c.2827C>G (p.Leu943Val)

Gene: EHMT1 (euchromatic histone lysine methyltransferase 1; plus strand). Cytogenetic location: 9q34.3.
Variant type: single nucleotide variant.
Coding change: c.2827C>G on transcript NM_024757.5 (MANE Select); coding-DNA position 2827, C replaced by G.
Protein change: p.Leu943Val; replaces leucine 943 with valine.
Molecular consequence: missense variant.
Genome position (GRCh38, 1-based): chr9:137,811,575, C>G. VCF-style: chr9-137811575-C-G. GRCh37 (hg19) VCF-style: chr9-140706027-C-G.
Other names: c.2806C>G, p.Leu936Val (NM_001354263.2); short protein forms L936V, L943V.
Identifiers: ClinVar variation 2819682 (VCV002819682.3), dbSNP rs150913663, ClinGen allele CA375791869.